The following is an entry in ClinVar:

ClinVar aggregate classification (germline): Uncertain significance (1 of 4 stars; one submission).

Conditions:
Fibrous dysplasia of jaw (CRBM). Also called: Cherubism. Identifiers: Orphanet 184, MedGen C0008029, MONDO:0007315, OMIM 118400.

Submission:

Labcorp Genetics (formerly Invitae), Labcorp
Classification: Uncertain significance for Fibrous dysplasia of jaw. Last evaluated: 2025-05-24. Review status: criteria provided, single submitter. Criteria: Invitae Variant Classification Sherloc (09022015). Collection method: clinical testing. Allele origin: germline.
Comment: This sequence change replaces valine, which is neutral and non-polar, with leucine, which is neutral and non-polar, at codon 270 of the SH3BP2 protein (p.Val270Leu). This variant is not present in population databases (gnomAD no frequency). This variant has not been reported in the literature in individuals affected with SH3BP2-related conditions. Invitae Evidence Modeling of protein sequence and biophysical properties (such as structural, functional, and spatial information, amino acid conservation, physicochemical variation, residue mobility, and thermodynamic stability) indicates that this missense variant is not expected to disrupt SH3BP2 protein function with a negative predictive value of 80%. In summary, the available evidence is currently insufficient to determine the role of this variant in disease. Therefore, it has been classified as a Variant of Uncertain Significance.

NM_001122681.2(SH3BP2):c.808G>T (p.Val270Leu)

Gene: SH3BP2 (SH3 domain binding protein 2; plus strand). Cytogenetic location: 4p16.3.
Variant type: single nucleotide variant.
Coding change: c.808G>T on transcript NM_001122681.2 (MANE Select); coding-DNA position 808, G replaced by T.
Protein change: p.Val270Leu; replaces valine 270 with leucine.
Molecular consequence: missense variant.
Genome position (GRCh38, 1-based): chr4:2,829,714, G>T. VCF-style: chr4-2829714-G-T. GRCh37 (hg19) VCF-style: chr4-2831441-G-T.
Other names: c.892G>T, p.Val298Leu (NM_001145855.2); c.979G>T, p.Val327Leu (NM_001145856.2); c.808G>T, p.Val270Leu (NM_003023.4); short protein forms V298L, V270L, V327L.
Identifiers: ClinVar variation 4718788 (VCV004718788.1).